The following is an entry in ClinVar:

ClinVar aggregate classification (germline): Uncertain significance. Review status: criteria provided, multiple submitters, no conflicts (2 of 4 stars). 4 submissions from 4 submitters: Uncertain significance (4). Last evaluated 2026-01-12.

Conditions:
Inborn genetic diseases. Identifiers: MedGen C0950123, MeSH D030342.
Thyroid dyshormonogenesis 6 (TDH6). Also called: THYROID HORMONOGENESIS, GENETIC DEFECT IN, 6; Genetic transient congenital hypothyroidism; HYPOTHYROIDISM, CONGENITAL, DUE TO DYSHORMONOGENESIS, 6. Identifiers: Orphanet 226316, Orphanet 95716, MedGen C1846632, MONDO:0011792, OMIM 607200.

Allele frequency attached by ClinVar (database versions not stated): gnomAD exomes 0.00012; TOPMed 0.00014; gnomAD 0.00019; 1000 Genomes Project 0.00040; 1000 Genomes Project 30x 0.00047.
gnomAD v4.1: 189 of 1,614,186 alleles (0.012%); highest among the groups gnomAD compares: East Asian, 0.029%; no homozygotes.

Submissions (4):

Labcorp Genetics (formerly Invitae), Labcorp
Classification: Uncertain significance. Last evaluated: 2026-01-12. Review status: criteria provided, single submitter. Criteria: Invitae Variant Classification Sherloc (09022015). Collection method: clinical testing. Allele origin: germline.
Comment: This sequence change replaces arginine, which is basic and polar, with histidine, which is basic and polar, at codon 1128 of the DUOX2 protein (p.Arg1128His). This variant is present in population databases (rs374614801, gnomAD 0.05%). This missense change has been observed in individual(s) with congenital hypothyroidism (PMID: 26709262). ClinVar contains an entry for this variant (Variation ID: 431903). Invitae Evidence Modeling of protein sequence and biophysical properties (such as structural, functional, and spatial information, amino acid conservation, physicochemical variation, residue mobility, and thermodynamic stability) indicates that this missense variant is expected to disrupt DUOX2 protein function with a positive predictive value of 80%. In summary, the available evidence is currently insufficient to determine the role of this variant in disease. Therefore, it has been classified as a Variant of Uncertain Significance.

Ambry Genetics
Classification: Uncertain significance for Inborn genetic diseases. Last evaluated: 2022-07-19. Review status: criteria provided, single submitter. Criteria: Ambry Variant Classification Scheme 2023. Collection method: clinical testing. Allele origin: germline.

Fulgent Genetics
Classification: Uncertain significance for Thyroid dyshormonogenesis 6. Last evaluated: 2021-09-13. Review status: criteria provided, single submitter. Criteria: ACMG Guidelines, 2015. Collection method: clinical testing. Allele origin: unknown.

GeneDx
Classification: Uncertain significance. Last evaluated: 2018-07-30. Review status: criteria provided, single submitter. Criteria: GeneDx Variant Classification (06012015). Collection method: clinical testing. Allele origin: germline. Affected: yes.
Comment: A variant of uncertain significance has been identified in the DUOX2 gene. The R1128H variant has been reported in the heterozygous state in a newborn with congenital hypothyroidism; however, this individual was also heterozygous for the R450H variant in TSHR gene (Park et al., 2016). The R1128H variant is observed in 9/18870 (0.048%) alleles from individuals of East Asian background and in 36/277200 (0.013%) alleles globally in large population cohorts (Lek et al., 2016). This variant is a conservative amino acid substitution, which is not likely to impact secondary protein structure as these residues share similar properties. However, in-silico analyses, including protein predictors and evolutionary conservation, support a deleterious effect. Therefore, based on the currently available information, it is unclear whether the R1128H variant is a pathogenic variant or a rare benign variant.

Literature cited by the submitters: PubMed 26709262 (cited by Labcorp Genetics (formerly Invitae), Labcorp).

NM_001363711.2(DUOX2):c.3383G>A (p.Arg1128His)

Gene: DUOX2 (dual oxidase 2; minus strand). Cytogenetic location: 15q21.1.
Variant type: single nucleotide variant.
Coding change: c.3383G>A on transcript NM_001363711.2 (MANE Select); coding-DNA position 3383, G replaced by A.
Protein change: p.Arg1128His; replaces arginine 1128 with histidine.
Molecular consequence: missense variant.
Genome position (GRCh38, 1-based): chr15:45,099,694, C>T on the plus strand (G>A on the coding strand, the complement: DUOX2 is on the minus strand). VCF-style: chr15-45099694-C-T. GRCh37 (hg19) VCF-style: chr15-45391892-C-T.
Other names: c.3383G>A, p.Arg1128His (NM_014080.5); short protein forms R1128H.
Identifiers: ClinVar variation 431903 (VCV000431903.8), dbSNP rs374614801, ClinGen allele CA7537895.